The following is an entry in ClinVar:

NM_001007553.3(CSDE1):c.1-1728C>T

Gene: CSDE1 (cold shock domain containing E1; minus strand). Cytogenetic location: 1p13.2.
Variant type: single nucleotide variant.
Coding change: c.1-1728C>T on transcript NM_001007553.3 (MANE Select); 1728 bases into the intron before coding-DNA position 1, C replaced by T.
Molecular consequence: intron variant. On other transcripts: missense variant (2).
Genome position (GRCh38, 1-based): chr1:114,741,618, G>A on the plus strand (C>T on the coding strand, the complement: CSDE1 is on the minus strand). VCF-style: chr1-114741618-G-A. GRCh37 (hg19) VCF-style: chr1-115284239-G-A.
Other names: c.47C>T, p.Ala16Val (NM_001130523.3, NM_001242891.2); c.1-1728C>T (NM_001242893.2, NM_001242892.2, NM_007158.6); short protein forms A16V.
Identifiers: ClinVar variation 3364781 (VCV003364781.1).
Genomic context (GRCh38, chr1:114,741,618, plus strand): 5'-TTTTTAGTCCCAGATGAGGTAGAAGATGAAGATAAGGGTAAAGAAAGTGAAGGAGGGGCT[G>A]CAGGAGAGGGATGAGGATCTGATGACACAGTAAAAACGTTCTCCATCTCAAACAGCTGTT-3'

ClinVar aggregate classification (germline): Uncertain significance (1 of 4 stars; one submission).

gnomAD v4.1: 1 of 1,548,236 alleles (0.000065%); highest among the groups gnomAD compares: Non-Finnish European, 0.000087%; no homozygotes.

Submission:

GeneDx
Classification: Uncertain significance. Last evaluated: 2023-11-21. Review status: criteria provided, single submitter. Criteria: GeneDx Variant Classification Process June 2021. Collection method: clinical testing. Allele origin: germline. Affected: yes.
Comment: Not observed at significant frequency in large population cohorts (gnomAD); In silico analysis supports that this missense variant does not alter protein structure/function; Has not been previously published as pathogenic or benign to our knowledge